The following is an entry in ClinVar:

NM_001365536.1(SCN9A):c.5197C>T (p.Pro1733Ser)

Genes: SCN1A-AS1 (SCN1A and SCN9A antisense RNA 1; plus strand), SCN9A (sodium voltage-gated channel alpha subunit 9; minus strand). Cytogenetic location: 2q24.3.
Variant type: single nucleotide variant.
Coding change: c.5197C>T on transcript NM_001365536.1 (MANE Select); coding-DNA position 5197, C replaced by T.
Protein change: p.Pro1733Ser; replaces proline 1733 with serine.
Molecular consequence: missense variant.
Genome position (GRCh38, 1-based): chr2:166,199,442, G>A on the plus strand (C>T on the coding strand, the complement: SCN9A is on the minus strand). VCF-style: chr2-166199442-G-A. GRCh37 (hg19) VCF-style: chr2-167055952-G-A.
Other names: c.5164C>T, p.Pro1722Ser (NM_002977.4); short protein forms P1722S, P1733S.
Identifiers: ClinVar variation 471140 (VCV000471140.10), dbSNP rs751682235, ClinGen allele CA1943716.

ClinVar aggregate classification (germline): Uncertain significance. Review status: criteria provided, multiple submitters, no conflicts (2 of 4 stars). 2 submissions from 2 submitters: Uncertain significance (2). Last evaluated 2025-06-16.

Conditions:
Neuropathy, hereditary sensory and autonomic, type 2A (HSAN2A). Also called: WNK1-Related HSAN2 (HSAN2A); ACROOSTEOLYSIS, GIACCAI TYPE; ACROOSTEOLYSIS, NEUROGENIC; MORVAN DISEASE; NEUROPATHY, CONGENITAL SENSORY; NEUROPATHY, HEREDITARY SENSORY RADICULAR, AUTOSOMAL RECESSIVE. Identifiers: Orphanet 970, MedGen C2752089, MONDO:0024309, OMIM 201300.
Generalized epilepsy with febrile seizures plus, type 7 (GEFSP7). Also called: GEFS+, TYPE 7. Identifiers: Orphanet 36387, MedGen C2751778, MONDO:0013470, OMIM 613863.

Allele frequency attached by ClinVar (database versions not stated): TOPMed below 0.00001.
gnomAD v4.1: 4 of 1,614,116 alleles (0.00025%); highest among the groups gnomAD compares: Non-Finnish European, 0.00034%; no homozygotes.

Submissions (2):

Labcorp Genetics (formerly Invitae), Labcorp
Classification: Uncertain significance for Neuropathy, hereditary sensory and autonomic, type 2A; Generalized epilepsy with febrile seizures plus, type 7. Last evaluated: 2025-06-16. Review status: criteria provided, single submitter. Criteria: Invitae Variant Classification Sherloc (09022015). Collection method: clinical testing. Allele origin: germline.
Comment: This sequence change replaces proline, which is neutral and non-polar, with serine, which is neutral and polar, at codon 1722 of the SCN9A protein (p.Pro1722Ser). This variant is present in population databases (rs751682235, gnomAD 0.0009%). This variant has not been reported in the literature in individuals affected with SCN9A-related conditions. ClinVar contains an entry for this variant (Variation ID: 471140). Invitae Evidence Modeling of protein sequence and biophysical properties (such as structural, functional, and spatial information, amino acid conservation, physicochemical variation, residue mobility, and thermodynamic stability) indicates that this missense variant is not expected to disrupt SCN9A protein function with a negative predictive value of 95%. In summary, the available evidence is currently insufficient to determine the role of this variant in disease. Therefore, it has been classified as a Variant of Uncertain Significance.

Blueprint Genetics
Classification: Uncertain significance. Last evaluated: 2022-07-18. Review status: criteria provided, single submitter. Criteria: ACMG Guidelines, 2015. Collection method: clinical testing. Allele origin: germline.